The following is an entry in ClinVar:

NM_001379110.1(SLC9A6):c.512G>A (p.Cys171Tyr)

Gene: SLC9A6 (solute carrier family 9 member A6; plus strand). Cytogenetic location: Xq26.3.
Variant type: single nucleotide variant.
Coding change: c.512G>A on transcript NM_001379110.1 (MANE Select); coding-DNA position 512, G replaced by A.
Protein change: p.Cys171Tyr; replaces cysteine 171 with tyrosine.
Molecular consequence: missense variant.
Genome position (GRCh38, 1-based): chrX:135,998,546, G>A. VCF-style: chrX-135998546-G-A. GRCh37 (hg19) VCF-style: chrX-135080705-G-A.
Other names: c.512G>A, p.Cys171Tyr (NM_001400909.1, NM_001400910.1, NM_001400911.1 and 2 more transcripts); c.416G>A, p.Cys139Tyr (NM_001400913.1, NM_001330652.2); c.572G>A, p.Cys191Tyr (NM_006359.3); c.668G>A, p.Cys223Tyr (NM_001042537.2); short protein forms C139Y, C171Y, C191Y, C223Y.
Identifiers: ClinVar variation 2428814 (VCV002428814.4), dbSNP rs2521184143, ClinGen allele CA414750018.
Genomic context (GRCh38, chrX:135,998,546, plus strand): 5'-ATTTTTTTCGAAATCTTGGGTCTATCCTAGCATACGCTTTTCTTGGAACAGCAATTTCTT[G>A]TTTCGTTATTGGGTAAGTATTTTAAGCTTAAAATACTTTGTGGCCTTCAAATTATAATTT-3'
Protein context (NP_001366039.1, residues 161-181): AYAFLGTAIS[Cys171Tyr]FVIGSIMYGC

ClinVar aggregate classification (germline): Likely pathogenic (1 of 4 stars; one submission).

Submission:

GeneDx
Classification: Likely pathogenic. Last evaluated: 2025-08-13. Review status: criteria provided, single submitter. Criteria: GeneDx Variant Classification Process June 2021. Collection method: clinical testing. Allele origin: germline.
Comment: Not observed at significant frequency in large population cohorts (gnomAD); In silico analysis supports that this missense variant has a deleterious effect on protein structure/function; Has not been previously published as pathogenic or benign to our knowledge